The following is an entry in ClinVar:

ClinVar aggregate classification (germline): Uncertain significance (1 of 4 stars; one submission).

Conditions:
Hereditary nonpolyposis colorectal neoplasms. Identifiers: MedGen C0009405, MeSH D003123.

Submission:

Labcorp Genetics (formerly Invitae), Labcorp
Classification: Uncertain significance for Hereditary nonpolyposis colorectal neoplasms. Last evaluated: 2025-09-10. Review status: criteria provided, single submitter. Criteria: Invitae Variant Classification Sherloc (09022015). Collection method: clinical testing. Allele origin: germline.
Comment: This sequence change replaces threonine, which is neutral and polar, with serine, which is neutral and polar, at codon 523 of the MSH6 protein (p.Thr523Ser). This variant is not present in population databases (gnomAD no frequency). This variant has not been reported in the literature in individuals affected with MSH6-related conditions. Invitae Evidence Modeling of protein sequence and biophysical properties (such as structural, functional, and spatial information, amino acid conservation, physicochemical variation, residue mobility, and thermodynamic stability) indicates that this missense variant is not expected to disrupt MSH6 protein function with a negative predictive value of 95%. In summary, the available evidence is currently insufficient to determine the role of this variant in disease. Therefore, it has been classified as a Variant of Uncertain Significance.

NM_000179.3(MSH6):c.1568C>G (p.Thr523Ser)

Gene: MSH6 (mutS homolog 6; plus strand). Cytogenetic location: 2p16.3.
Variant type: single nucleotide variant.
Coding change: c.1568C>G on transcript NM_000179.3 (MANE Select); coding-DNA position 1568, C replaced by G.
Protein change: p.Thr523Ser; replaces threonine 523 with serine.
Molecular consequence: missense variant. On other transcripts: non-coding transcript variant (4), intron variant (1).
Genome position (GRCh38, 1-based): chr2:47,799,551, C>G. VCF-style: chr2-47799551-C-G. GRCh37 (hg19) VCF-style: chr2-48026690-C-G.
Other names: c.662C>G, p.Thr221Ser (NM_001406814.1, NM_001406815.1, NM_001406816.1 and 6 more transcripts); c.1568C>G, p.Thr523Ser (NM_001406817.1, NM_001406796.1, NM_001406798.1 and 4 more transcripts); c.1271C>G, p.Thr424Ser (NM_001406818.1, NM_001406819.1, NM_001406820.1 and 10 more transcripts); c.1178C>G, p.Thr393Ser (NM_001281492.2); c.1664C>G, p.Thr555Ser (NM_001406795.1, NM_001406802.1); c.1043C>G, p.Thr348Ser (NM_001406799.1, NM_001406806.1, NM_001406807.1); c.1490C>G, p.Thr497Ser (NM_001406804.1); c.1574C>G, p.Thr525Ser (NM_001406813.1); and 2 more; short protein forms T221S, T467S, T523S, T348S, T497S, T555S, T393S, T424S.
Identifiers: ClinVar variation 4778263 (VCV004778263.1).